The following is an entry in ClinVar:

ClinVar aggregate classification (germline): Uncertain significance (1 of 4 stars; one submission).

Conditions:
Hemochromatosis type 4 (HFE4). Also called: Ferroportin disease; HEMOCHROMATOSIS DUE TO DEFECT IN FERROPORTIN; HEMOCHROMATOSIS, AUTOSOMAL DOMINANT. Identifiers: Orphanet 139491, Orphanet 647834, Orphanet 648562, MedGen C1853733, MONDO:0011631, OMIM 606069.

Submission:

Labcorp Genetics (formerly Invitae), Labcorp
Classification: Uncertain significance for Hemochromatosis type 4. Last evaluated: 2025-09-02. Review status: criteria provided, single submitter. Criteria: Invitae Variant Classification Sherloc (09022015). Collection method: clinical testing. Allele origin: germline.
Comment: This sequence change replaces isoleucine, which is neutral and non-polar, with valine, which is neutral and non-polar, at codon 137 of the SLC40A1 protein (p.Ile137Val). This variant is not present in population databases (gnomAD no frequency). This variant has not been reported in the literature in individuals affected with SLC40A1-related conditions. Invitae Evidence Modeling of protein sequence and biophysical properties (such as structural, functional, and spatial information, amino acid conservation, physicochemical variation, residue mobility, and thermodynamic stability) has been performed for this missense variant. However, the output from this modeling did not meet the statistical confidence thresholds required to predict the impact of this variant on SLC40A1 protein function. In summary, the available evidence is currently insufficient to determine the role of this variant in disease. Therefore, it has been classified as a Variant of Uncertain Significance.

NM_014585.6(SLC40A1):c.409A>G (p.Ile137Val)

Gene: SLC40A1 (solute carrier family 40 member 1; minus strand). Cytogenetic location: 2q32.2.
Variant type: single nucleotide variant.
Coding change: c.409A>G on transcript NM_014585.6 (MANE Select); coding-DNA position 409, A replaced by G.
Protein change: p.Ile137Val; replaces isoleucine 137 with valine.
Molecular consequence: missense variant.
Genome position (GRCh38, 1-based): chr2:189,571,820, T>C on the plus strand (A>G on the coding strand, the complement: SLC40A1 is on the minus strand). VCF-style: chr2-189571820-T-C. GRCh37 (hg19) VCF-style: chr2-190436546-T-C.
Other names: short protein forms I137V.
Identifiers: ClinVar variation 4781324 (VCV004781324.1).